The following is an entry in ClinVar:

ClinVar aggregate classification (germline): Uncertain significance. Review status: criteria provided, multiple submitters, no conflicts (2 of 4 stars). 5 submissions from 5 submitters: Uncertain significance (5). Last evaluated 2026-03-25.

Conditions:
Cardiovascular phenotype. Identifiers: MedGen CN230736.
Cardiomyopathy (CMYO). Also called: Cardiomyopathies. Identifiers: Orphanet 167848, MedGen C0878544, MONDO:0004994, HP:0001638. Inheritance: Various modes of inheritance.
Hypertrophic cardiomyopathy. Also called: HYPERTROPHIC MYOCARDIOPATHY. Identifiers: Orphanet 217569, MedGen C0007194, MeSH D002312, MONDO:0005045, HP:0001639.

Allele frequency attached by ClinVar (database versions not stated): gnomAD 0.00001; ExAC below 0.00001; gnomAD exomes 0.00001; TOPMed below 0.00001.
gnomAD v4.1: 21 of 1,552,334 alleles (0.0014%); highest among the groups gnomAD compares: Non-Finnish European, 0.0017%; no homozygotes.

Submissions (5):

Ambry Genetics
Classification: Uncertain significance for Cardiovascular phenotype. Last evaluated: 2026-03-25. Review status: criteria provided, single submitter. Criteria: Ambry Variant Classification Scheme 2023. Collection method: clinical testing. Allele origin: germline.
Comment: The p.A777V variant (also known as c.2330C>T), located in coding exon 24 of the MYBPC3 gene, results from a C to T substitution at nucleotide position 2330. The alanine at codon 777 is replaced by valine, an amino acid with similar properties. This variant was reported in an individual with noncompaction cardiomyopathy (van Waning JI et al. J Am Coll Cardiol, 2018 Feb;71:711-722). This amino acid position is well conserved in available vertebrate species. In addition, this alteration is predicted to be tolerated by in silico analysis. Based on the available evidence, the clinical significance of this variant remains unclear.

Labcorp Genetics (formerly Invitae), Labcorp
Classification: Uncertain significance for Hypertrophic cardiomyopathy. Last evaluated: 2025-12-14. Review status: criteria provided, single submitter. Criteria: Invitae Variant Classification Sherloc (09022015). Collection method: clinical testing. Allele origin: germline.
Comment: This sequence change replaces alanine, which is neutral and non-polar, with valine, which is neutral and non-polar, at codon 777 of the MYBPC3 protein (p.Ala777Val). This variant is not present in population databases (gnomAD no frequency). This missense change has been observed in individual(s) with noncompaction cardiomyopathy (PMID: 29447731). ClinVar contains an entry for this variant (Variation ID: 451484). An algorithm developed to predict the effect of missense changes on protein structure and function (PolyPhen-2) suggests that this variant is likely to be disruptive. In summary, the available evidence is currently insufficient to determine the role of this variant in disease. Therefore, it has been classified as a Variant of Uncertain Significance.

Color Diagnostics, LLC DBA Color Health
Classification: Uncertain significance for Cardiomyopathy. Last evaluated: 2024-08-27. Review status: criteria provided, single submitter. Criteria: ACMG Guidelines, 2015. Collection method: clinical testing. Allele origin: germline.
Comment: This missense variant replaces alanine with valine at codon 777 of the MYBPC3 protein. Computational prediction tools indicate that this variant has a neutral impact on protein structure and function. To our knowledge, functional studies have not been reported for this variant. This variant has been reported in an individual affected with noncompaction cardiomyopathy (PMID: 29447731). This variant has not been identified in the general population by the Genome Aggregation Database (gnomAD). The available evidence is insufficient to determine the role of this variant in disease conclusively. Therefore, this variant is classified as a Variant of Uncertain Significance.

All of Us Research Program, National Institutes of Health
Classification: Uncertain significance for Hypertrophic cardiomyopathy. Last evaluated: 2023-11-30. Review status: criteria provided, single submitter. Criteria: ACMG Guidelines, 2015. Collection method: clinical testing. Allele origin: germline. Inheritance: Autosomal dominant inheritance. Observed: 4 variant alleles, 4 heterozygotes.
Comment: This missense variant replaces alanine with valine at codon 777 of the MYBPC3 protein. Computational prediction suggests that this variant may not impact protein structure and function (internally defined REVEL score threshold <= 0.5, PMID: 27666373). To our knowledge, functional studies have not been reported for this variant. This variant has not been reported in individuals affected with cardiovascular disorders in the literature. This variant has not been identified in the general population by the Genome Aggregation Database (gnomAD). The available evidence is insufficient to determine the role of this variant in disease conclusively. Therefore, this variant is classified as a Variant of Uncertain Significance.

This study involves interpretation of variants in research participants for the purpose of population health screening. Participant phenotype was not available at the time of variant classification. Additional details can be found in publication PMID: 35346344, PMCID: PMC8962531

GeneDx
Classification: Uncertain significance. Last evaluated: 2017-08-24. Review status: criteria provided, single submitter. Criteria: GeneDx Variant Classification (06012015). Collection method: clinical testing. Allele origin: germline. Affected: yes.
Comment: A variant of uncertain significance has been identified in the MYBPC3 gene. The A777V variant has not been published as pathogenic or been reported as benign to our knowledge. This variant is not observed in large population cohorts (Lek et al., 2016; 1000 Genomes Consortium et al., 2015; Exome Variant Server). The A777V variant occurs at a position that is conserved in mammals, and in silico analysis predicts this variant is probably damaging to the protein structure/function. Nevertheless, A777V is a conservative amino acid substitution, which is not likely to impact secondary protein structure as these residues share similar properties.

Literature cited by the submitters: PubMed 29447731 (cited by 3 submitters).

NM_000256.3(MYBPC3):c.2330C>T (p.Ala777Val)

Gene: MYBPC3 (myosin binding protein C3; minus strand). Cytogenetic location: 11p11.2.
Variant type: single nucleotide variant.
Coding change: c.2330C>T on transcript NM_000256.3 (MANE Select); coding-DNA position 2330, C replaced by T.
Protein change: p.Ala777Val; replaces alanine 777 with valine.
Molecular consequence: missense variant.
Genome position (GRCh38, 1-based): chr11:47,337,773, G>A on the plus strand (C>T on the coding strand, the complement: MYBPC3 is on the minus strand). VCF-style: chr11-47337773-G-A. GRCh37 (hg19) VCF-style: chr11-47359324-G-A.
Other names: c.2330C>T, p.Ala777Val (LRG_386t1); short protein forms A777V.
Identifiers: ClinVar variation 451484 (VCV000451484.16), dbSNP rs759631792, ClinGen allele CA078651.